The following is an entry in ClinVar:

NM_001110556.2(FLNA):c.14A>T (p.His5Leu)

Gene: FLNA (filamin A; minus strand). Cytogenetic location: Xq28.
Variant type: single nucleotide variant.
Coding change: c.14A>T on transcript NM_001110556.2 (MANE Select); coding-DNA position 14, A replaced by T.
Protein change: p.His5Leu; replaces histidine 5 with leucine.
Molecular consequence: missense variant.
Genome position (GRCh38, 1-based): chrX:154,371,232, T>A on the plus strand (A>T on the coding strand, the complement: FLNA is on the minus strand). VCF-style: chrX-154371232-T-A. GRCh37 (hg19) VCF-style: chrX-153599600-T-A.
Other names: c.14A>T, p.His5Leu (NM_001456.4); short protein forms H5L.
Identifiers: ClinVar variation 3032657 (VCV003032657.3), dbSNP rs1557180291, ClinGen allele CA415255901.
Genomic context (GRCh38, chrX:154,371,232, plus strand): 5'-TCCCGCGTGTCGACGCCGCCGCCCGGAGCCGCGCCTGCTGCGCTCTGGCCCGCCCGAGAG[T>A]GGGAGCTACTCATTTTGAGGCGCGAGAAGCCGGGGGGGCGGTGCTGCAGCCTCGGCGAGG-3'
Protein context (NP_001104026.1, residues 1-15): MSSS[His5Leu]SRAGQSAAGA

ClinVar aggregate classification (germline): Uncertain significance (1 of 4 stars; one submission).

Conditions:
FLNA-related disorder.

Submission:

PreventionGenetics, part of Exact Sciences
Classification: Uncertain significance for FLNA-related condition. Last evaluated: 2026-09-08. Review status: criteria provided, single submitter. Criteria: ACMG Guidelines, 2015. Collection method: clinical testing. Allele origin: germline.
Comment: The FLNA c.14A>T variant is predicted to result in the amino acid substitution p.His5Leu. To our knowledge, this variant has not been reported in the literature or in a large population database (gnomAD), indicating this variant is rare. At this time, the clinical significance of this variant is uncertain due to the absence of conclusive functional and genetic evidence.